The following is an entry in ClinVar:

NM_000047.3(ARSL):c.23+931G>T

Gene: ARSL (arylsulfatase L; minus strand). Cytogenetic location: Xp22.33.
Variant type: single nucleotide variant.
Coding change: c.23+931G>T on transcript NM_000047.3 (MANE Select); 931 bases into the intron after coding-DNA position 23, G replaced by T.
Molecular consequence: intron variant.
Genome position (GRCh38, 1-based): chrX:2,959,447, C>A on the plus strand (G>T on the coding strand, the complement: ARSL is on the minus strand). VCF-style: chrX-2959447-C-A. GRCh37 (hg19) VCF-style: chrX-2877488-C-A.
Other names: c.98+156G>T (NM_001282628.2, NM_001369080.1); c.23+931G>T (NM_001282631.2); c.50+931G>T (NM_001369079.1).
Identifiers: ClinVar variation 673897 (VCV000673897.1), dbSNP rs112254280, ClinGen allele CA325986241.

ClinVar aggregate classification (germline): Likely benign (1 of 4 stars; one submission).

Allele frequency attached by ClinVar (database versions not stated): gnomAD 0.01273 and 0.01364; 1000 Genomes Project 0.01404; 1000 Genomes Project 30x 0.01498; TOPMed 0.01541.
gnomAD v4.1: 1,406 of 111,537 alleles (1.3%); highest among the groups gnomAD compares: African/African-American, 4.3%; 19 homozygotes.

Submission:

GeneDx
Classification: Likely benign. Last evaluated: 2018-06-17. Review status: criteria provided, single submitter. Criteria: GeneDx Variant Classification (06012015). Collection method: clinical testing. Allele origin: germline. Affected: yes.
Comment: This variant is considered likely benign or benign based on one or more of the following criteria: it is a conservative change, it occurs at a poorly conserved position in the protein, it is predicted to be benign by multiple in silico algorithms, and/or has population frequency not consistent with disease.